The following is an entry in ClinVar:

NM_004629.2(FANCG):c.1771C>G (p.Leu591Val)

Gene: FANCG (FA complementation group G; minus strand). Cytogenetic location: 9p13.3.
Variant type: single nucleotide variant.
Coding change: c.1771C>G on transcript NM_004629.2 (MANE Select); coding-DNA position 1771, C replaced by G.
Protein change: p.Leu591Val; replaces leucine 591 with valine.
Molecular consequence: missense variant.
Genome position (GRCh38, 1-based): chr9:35,074,206, G>C on the plus strand (C>G on the coding strand, the complement: FANCG is on the minus strand). VCF-style: chr9-35074206-G-C. GRCh37 (hg19) VCF-style: chr9-35074203-G-C.
Other names: short protein forms L591V.
Identifiers: ClinVar variation 3512834 (VCV003512834.1).

ClinVar aggregate classification (germline): Uncertain significance (1 of 4 stars; one submission).

Conditions:
Inborn genetic diseases. Identifiers: MedGen C0950123, MeSH D030342.

Submission:

Ambry Genetics
Classification: Uncertain significance for Inborn genetic diseases. Last evaluated: 2024-11-20. Review status: criteria provided, single submitter. Criteria: Ambry Variant Classification Scheme 2023. Collection method: clinical testing. Allele origin: germline.
Comment: The p.L591V variant (also known as c.1771C>G), located in coding exon 14 of the FANCG gene, results from a C to G substitution at nucleotide position 1771. The leucine at codon 591 is replaced by valine, an amino acid with highly similar properties. This amino acid position is conserved. In addition, this alteration is predicted to be tolerated by in silico analysis. Based on the available evidence, the clinical significance of this variant remains unclear.